The following is an entry in ClinVar:

ClinVar aggregate classification (germline): Likely pathogenic (1 of 4 stars; one submission).

Submission:

Dasa
Classification: Likely pathogenic. Last evaluated: 2025-08-26. Review status: criteria provided, single submitter. Criteria: DASA Assertion Criteria. Collection method: clinical testing. Allele origin: germline.
Comment: NM_000525.4(KCNJ11):c.564del (p.Ile189Serfs*21) is a frameshift variant in KCNJ11 predicted to alter the reading frame and introduce a premature termination codon and is predicted to result in an absent or altered protein product. Loss of function is an established disease mechanism for KCNJ11-associated disorders. Also, this variant is absent from population databases. Based on the currently available evidence, this variant is classified as likely pathogenic.

NM_000525.4(KCNJ11):c.564del (p.Ile189fs)

Gene: KCNJ11 (potassium inwardly rectifying channel subfamily J member 11; minus strand). Cytogenetic location: 11p15.1.
Variant type: Deletion.
Coding change: c.564del on transcript NM_000525.4 (MANE Select); coding-DNA position 564, one base deleted (G; older notation c.564delG).
Protein change: p.Ile189fs; shifts the reading frame from isoleucine 189.
Molecular consequence: frameshift variant.
Genome position (GRCh38, 1-based): chr11:17,387,528, C deleted on the plus strand (G on the coding strand, the reverse complement: KCNJ11 is on the minus strand). VCF-style (leftmost placement, unchanged base first): chr11-17387527-TC-T. GRCh37 (hg19) VCF-style: chr11-17409074-TC-T.
Other names: c.303del, p.Ile102fs (NM_001166290.2, NM_001377296.1, NM_001377297.1); short protein forms I102fs, I189fs.
Identifiers: ClinVar variation 4880571 (VCV004880571.2).